The following is an entry in ClinVar:

NM_001360.3(DHCR7):c.338C>G (p.Ser113Cys)

Gene: DHCR7 (7-dehydrocholesterol reductase; minus strand). Cytogenetic location: 11q13.4.
Variant type: single nucleotide variant.
Coding change: c.338C>G on transcript NM_001360.3 (MANE Select); coding-DNA position 338, C replaced by G.
Protein change: p.Ser113Cys; replaces serine 113 with cysteine.
Molecular consequence: missense variant.
Genome position (GRCh38, 1-based): chr11:71,442,337, G>C on the plus strand (C>G on the coding strand, the complement: DHCR7 is on the minus strand). VCF-style: chr11-71442337-G-C. GRCh37 (hg19) VCF-style: chr11-71153383-G-C.
Other names: c.338C>G, p.Ser113Cys (NM_001163817.2, NM_001425107.1, NM_001425109.1 and 7 more transcripts); c.374C>G, p.Ser125Cys (NM_001425108.1); c.278C>G, p.Ser93Cys (NM_001425113.1); c.242C>G, p.Ser81Cys (NM_001425114.1, NM_001425116.1); c.164C>G, p.Ser55Cys (NM_001425117.1); short protein forms S113C, S125C, S55C, S81C, S93C.
Identifiers: ClinVar variation 3340266 (VCV003340266.1).

ClinVar aggregate classification (germline): Uncertain significance (1 of 4 stars; one submission).

gnomAD v4.1: 1 of 1,613,856 alleles (0.000062%); highest among the groups gnomAD compares: Non-Finnish European, 0.000085%; no homozygotes.

Submission:

GeneDx
Classification: Uncertain significance. Last evaluated: 2023-12-22. Review status: criteria provided, single submitter. Criteria: GeneDx Variant Classification Process June 2021. Collection method: clinical testing. Allele origin: germline. Affected: yes.
Comment: Not observed at significant frequency in large population cohorts (gnomAD); In silico analysis supports that this missense variant does not alter protein structure/function; This variant is associated with the following publications: (PMID: 15896653, 15954111)